The following is an entry in ClinVar:

NM_000422.3(KRT17):c.488G>A (p.Arg163His)

Gene: KRT17 (keratin 17; minus strand). Cytogenetic location: 17q21.2.
Variant type: single nucleotide variant.
Coding change: c.488G>A on transcript NM_000422.3 (MANE Select); coding-DNA position 488, G replaced by A.
Protein change: p.Arg163His; replaces arginine 163 with histidine.
Molecular consequence: missense variant.
Genome position (GRCh38, 1-based): chr17:41,622,977, C>T on the plus strand (G>A on the coding strand, the complement: KRT17 is on the minus strand). VCF-style: chr17-41622977-C-T. GRCh37 (hg19) VCF-style: chr17-39779229-C-T.
Other names: short protein forms R163H.
Identifiers: ClinVar variation 1958080 (VCV001958080.5), dbSNP rs759605871, ClinGen allele CA8563722.

ClinVar aggregate classification (germline): Uncertain significance (1 of 4 stars; one submission).

Allele frequency attached by ClinVar (database versions not stated): ExAC 0.00001.

Submission:

Labcorp Genetics (formerly Invitae), Labcorp
Classification: Uncertain significance. Last evaluated: 2022-09-01. Review status: criteria provided, single submitter. Criteria: Invitae Variant Classification Sherloc (09022015). Collection method: clinical testing. Allele origin: germline.
Comment: In summary, the available evidence is currently insufficient to determine the role of this variant in disease. Therefore, it has been classified as a Variant of Uncertain Significance. Algorithms developed to predict the effect of missense changes on protein structure and function are either unavailable or do not agree on the potential impact of this missense change (SIFT: "Deleterious"; PolyPhen-2: "Benign"; Align-GVGD: "Class C25"). This variant has not been reported in the literature in individuals affected with KRT17-related conditions. This variant is present in population databases (rs759605871, gnomAD 0.006%). This sequence change replaces arginine, which is basic and polar, with histidine, which is basic and polar, at codon 163 of the KRT17 protein (p.Arg163His).